The following is an entry in ClinVar:

NM_001983.4(ERCC1):c.124T>C (p.Ser42Pro)

Gene: ERCC1 (ERCC excision repair 1, endonuclease non-catalytic subunit; minus strand). Cytogenetic location: 19q13.32.
Variant type: single nucleotide variant.
Coding change: c.124T>C on transcript NM_001983.4 (MANE Select); coding-DNA position 124, T replaced by C.
Protein change: p.Ser42Pro; replaces serine 42 with proline.
Molecular consequence: missense variant.
Genome position (GRCh38, 1-based): chr19:45,421,375, A>G on the plus strand (T>C on the coding strand, the complement: ERCC1 is on the minus strand). VCF-style: chr19-45421375-A-G. GRCh37 (hg19) VCF-style: chr19-45924633-A-G.
Other names: c.124T>C, p.Ser42Pro (NM_001166049.2, NM_001369408.1, NM_001369409.1 and 11 more transcripts); short protein forms S42P.
Identifiers: ClinVar variation 1925023 (VCV001925023.5), dbSNP rs772525358, ClinGen allele CA406360118.
Genomic context (GRCh38, chr19:45,421,375, plus strand): 5'-CGGCGTAGGTCTGAGGGGCCGCCTGGGCCGAGGTGTCCACAGTGGGAAGGCTCTGTGTAG[A>G]TCGGAATAAGGGCTTGGCCTGTGGGGAGAAAGGGAGTTTGCAGGGGACTGGTTGGGGTGA-3'
Protein context (NP_001974.1, residues 32-52): PPGVAKPLFR[Ser42Pro]TQSLPTVDTS

ClinVar aggregate classification (germline): Uncertain significance (1 of 4 stars; one submission).

Submission:

Labcorp Genetics (formerly Invitae), Labcorp
Classification: Uncertain significance. Last evaluated: 2022-03-30. Review status: criteria provided, single submitter. Criteria: Invitae Variant Classification Sherloc (09022015). Collection method: clinical testing. Allele origin: germline.
Comment: This variant has not been reported in the literature in individuals affected with ERCC1-related conditions. In summary, the available evidence is currently insufficient to determine the role of this variant in disease. Therefore, it has been classified as a Variant of Uncertain Significance. Algorithms developed to predict the effect of missense changes on protein structure and function (SIFT, PolyPhen-2, Align-GVGD) all suggest that this variant is likely to be tolerated. This variant is not present in population databases (gnomAD no frequency). This sequence change replaces serine, which is neutral and polar, with proline, which is neutral and non-polar, at codon 42 of the ERCC1 protein (p.Ser42Pro).